The following is an entry in ClinVar:

ClinVar aggregate classification (germline): Benign/Likely benign. Review status: criteria provided, multiple submitters, no conflicts (2 of 4 stars). 2 submissions from 2 submitters: Benign (1); Likely benign (1). Last evaluated 2026-05-18.

Conditions:
Neurofibromatosis, type 1 (NF1). Also called: VON RECKLINGHAUSEN DISEASE; NEUROFIBROMATOSIS, TYPE I, SOMATIC; Peripheral type neurofibromatosis; Neurofibromatosis, type I. Identifiers: Orphanet 636, MedGen C0027831, MONDO:0018975, OMIM 162200. Disease mechanism: loss of function.

gnomAD v4.1: 2 of 1,612,182 alleles (0.00012%); highest among the groups gnomAD compares: Non-Finnish European, 0.00017%; no homozygotes.

Submissions (2):

Myriad Genetics, Inc.
Classification: Benign for Neurofibromatosis, type 1. Last evaluated: 2026-05-18. Review status: criteria provided, single submitter. Criteria: Myriad Autosomal Dominant, Autosomal Recessive and X-Linked Classification Criteria (2023). Collection method: clinical testing. Allele origin: unknown.
Comment: This variant is considered benign. This variant is a silent/synonymous amino acid change and it is not expected to impact splicing.

Labcorp Genetics (formerly Invitae), Labcorp
Classification: Likely benign for Neurofibromatosis, type 1. Last evaluated: 2025-10-23. Review status: criteria provided, single submitter. Criteria: Invitae Variant Classification Sherloc (09022015). Collection method: clinical testing. Allele origin: germline.

NM_001042492.3(NF1):c.2607A>C (p.Pro869=)

Gene: NF1 (neurofibromin 1; plus strand). Cytogenetic location: 17q11.2.
Variant type: single nucleotide variant.
Coding change: c.2607A>C on transcript NM_001042492.3 (MANE Select); coding-DNA position 2607, A replaced by C.
Protein change: p.Pro869=; no amino-acid change (proline 869 retained).
Molecular consequence: synonymous variant.
Genome position (GRCh38, 1-based): chr17:31,229,222, A>C. VCF-style: chr17-31229222-A-C. GRCh37 (hg19) VCF-style: chr17-29556240-A-C.
Other names: c.2607A>C, p.Pro869= (NM_000267.4).
Identifiers: ClinVar variation 4718036 (VCV004718036.2).
Genomic context (GRCh38, chr17:31,229,222, plus strand): 5'-AGTGTGCCTCCAGCAGAGAAGCAATTCTGGCCTGGCAACCTATAGCCCACCCATGGGTCC[A>C]GTCAGTGAACGTAAGGGTTCTATGATTTCAGTGATGTCTTCAGAGGGAAACGCAGATACA-3'
Protein context (NP_001035957.1, residues 859-879): GLATYSPPMG[Pro869=]VSERKGSMIS